The following is an entry in ClinVar:

NM_001004051.4(GPRASP2):c.63G>C (p.Glu21Asp)

Genes: ARMCX5-GPRASP2 (ARMCX5-GPRASP2 readthrough; plus strand), GPRASP2 (G protein-coupled receptor associated sorting protein 2; plus strand). Cytogenetic location: Xq22.1.
Variant type: single nucleotide variant.
Coding change: c.63G>C on transcript NM_001004051.4 (MANE Select); coding-DNA position 63, G replaced by C.
Protein change: p.Glu21Asp; replaces glutamic acid 21 with aspartic acid.
Molecular consequence: missense variant. On other transcripts: intron variant (3).
Genome position (GRCh38, 1-based): chrX:102,714,932, G>C. VCF-style: chrX-102714932-G-C. GRCh37 (hg19) VCF-style: chrX-101969860-G-C.
Other names: c.63G>C, p.Glu21Asp (NM_001199818.1, NM_001184874.3, NM_001184875.3 and 2 more transcripts); c.-820+666G>C (NM_001350268.2); c.-752+666G>C (NM_001350269.2); c.-721+666G>C (NM_001350270.1); short protein forms E21D.
Identifiers: ClinVar variation 2213119 (VCV002213119.5), dbSNP rs137939858, ClinGen allele CA10476415.

ClinVar aggregate classification (germline): Uncertain significance. Review status: criteria provided, single submitter (1 of 4 stars). 2 submissions from 2 submitters: Uncertain significance (1). 1 of the submissions does not count toward it. Last evaluated 2024-09-08.

Conditions:
GPRASP2-related disorder. Also called: GPRASP2-related condition.

Allele frequency attached by ClinVar (database versions not stated): ExAC 0.00142; TOPMed 0.00143; gnomAD 0.00144; ESP Exome Variant Server 0.00246; gnomAD exomes 0.00250.
gnomAD v4.1: 2,859 of 1,211,335 alleles (0.24%); highest among the groups gnomAD compares: Non-Finnish European, 0.3%; 5 homozygotes.

Submissions (2):

Ambry Genetics
Classification: Uncertain significance. Last evaluated: 2024-09-08. Review status: criteria provided, single submitter. Criteria: Ambry Variant Classification Scheme 2023. Collection method: clinical testing. Allele origin: germline.

PreventionGenetics, part of Exact Sciences
Classification: Benign for GPRASP2-related condition. Last evaluated: 2021-06-16. Review status: no assertion criteria provided. Collection method: clinical testing. Allele origin: germline. Not counted in ClinVar's aggregate classification.
Comment: This variant is classified as benign based on ACMG/AMP sequence variant interpretation guidelines (Richards et al. 2015 PMID: 25741868, with internal and published modifications).